The following is an entry in ClinVar:

NM_004304.5(ALK):c.695A>C (p.Asn232Thr)

Gene: ALK (ALK receptor tyrosine kinase; minus strand). Cytogenetic location: 2p23.2.
Variant type: single nucleotide variant.
Coding change: c.695A>C on transcript NM_004304.5 (MANE Select); coding-DNA position 695, A replaced by C.
Protein change: p.Asn232Thr; replaces asparagine 232 with threonine.
Molecular consequence: missense variant.
Genome position (GRCh38, 1-based): chr2:29,717,670, T>G on the plus strand (A>C on the coding strand, the complement: ALK is on the minus strand). VCF-style: chr2-29717670-T-G. GRCh37 (hg19) VCF-style: chr2-29940536-T-G.
Other names: short protein forms N232T.
Identifiers: ClinVar variation 1052134 (VCV001052134.10), dbSNP rs774904862, ClinGen allele CA1594897.
Genomic context (GRCh38, chr2:29,717,670, plus strand): 5'-GAGTCTTTCATTATCCAGGTGAGATTCCATGTAAAATAATCAGGAGAAGGAGAAGGCATG[T>G]TTGTTGGTGATTCCAAGGAGCTATGACCTGGACATAAAAATAAAGAAAACACTGATCCAT-3'
Protein context (NP_004295.2, residues 222-242): TGHSSLESPT[Asn232Thr]MPSPSPDYFT

ClinVar aggregate classification (germline): Uncertain significance. Review status: criteria provided, multiple submitters, no conflicts (2 of 4 stars). 2 submissions from 2 submitters: Uncertain significance (2). Last evaluated 2025-08-24.

Conditions:
Hereditary cancer-predisposing syndrome. Also called: Hereditary Cancer Syndrome; Tumor predisposition; Hereditary neoplastic syndrome; Neoplastic Syndromes, Hereditary. Identifiers: Orphanet 140162, MedGen C0027672, MeSH D009386, MONDO:0015356.
Neuroblastoma, susceptibility to, 3. Also called: ALK-Related Neuroblastic Tumor Susceptibility. Identifiers: Orphanet 635, MedGen C2751681, MONDO:0013083, OMIM 613014.

Allele frequency attached by ClinVar (database versions not stated): gnomAD exomes below 0.00001; ExAC 0.00001; TOPMed 0.00002.
gnomAD v4.1: 2 of 1,614,078 alleles (0.00012%); highest among the groups gnomAD compares: African/African-American, 0.0027%; no homozygotes.

Submissions (2):

Labcorp Genetics (formerly Invitae), Labcorp
Classification: Uncertain significance for Neuroblastoma, susceptibility to, 3. Last evaluated: 2025-08-24. Review status: criteria provided, single submitter. Criteria: Invitae Variant Classification Sherloc (09022015). Collection method: clinical testing. Allele origin: germline.
Comment: This sequence change replaces asparagine, which is neutral and polar, with threonine, which is neutral and polar, at codon 232 of the ALK protein (p.Asn232Thr). This variant is present in population databases (rs774904862, gnomAD 0.007%). This variant has not been reported in the literature in individuals affected with ALK-related conditions. ClinVar contains an entry for this variant (Variation ID: 1052134). An algorithm developed to predict the effect of missense changes on protein structure and function (PolyPhen-2) suggests that this variant is likely to be tolerated. In summary, the available evidence is currently insufficient to determine the role of this variant in disease. Therefore, it has been classified as a Variant of Uncertain Significance.

Ambry Genetics
Classification: Uncertain significance for Hereditary cancer-predisposing syndrome. Last evaluated: 2024-11-03. Review status: criteria provided, single submitter. Criteria: Ambry Variant Classification Scheme 2023. Collection method: clinical testing. Allele origin: germline.
Comment: The p.N232T variant (also known as c.695A>C), located in coding exon 2 of the ALK gene, results from an A to C substitution at nucleotide position 695. The asparagine at codon 232 is replaced by threonine, an amino acid with similar properties. This amino acid position is conserved. In addition, this alteration is predicted to be tolerated by in silico analysis. Since supporting evidence is limited at this time, the clinical significance of this alteration remains unclear.